The following is an entry in ClinVar:

NM_000051.4(ATM):c.8231A>G (p.Glu2744Gly)

Genes: ATM (ATM serine/threonine kinase; plus strand), C11orf65 (chromosome 11 open reading frame 65; minus strand). Cytogenetic location: 11q22.3.
Variant type: single nucleotide variant.
Coding change: c.8231A>G on transcript NM_000051.4 (MANE Select); coding-DNA position 8231, A replaced by G.
Protein change: p.Glu2744Gly; replaces glutamic acid 2744 with glycine.
Molecular consequence: missense variant. On other transcripts: intron variant (2).
Genome position (GRCh38, 1-based): chr11:108,335,924, A>G. VCF-style: chr11-108335924-A-G. GRCh37 (hg19) VCF-style: chr11-108206651-A-G.
Other names: c.8231A>G, p.Glu2744Gly (NM_001351834.2); c.641-26853T>C (NM_001330368.2); c.695-632T>C (NM_001351110.2); short protein forms E2744G.
Identifiers: ClinVar variation 2841130 (VCV002841130.3), dbSNP rs764003317, ClinGen allele CA382562626.

ClinVar aggregate classification (germline): Uncertain significance (1 of 4 stars; one submission).

Conditions:
Ataxia-telangiectasia syndrome (AT). Also called: LOUIS-BAR SYNDROME; Cerebello-oculocutaneous telangiectasia; Immunodeficiency with ataxia telangiectasia; Ataxia telangiectasia (A-T); Ataxia-telangiectasia, complementation group D; AT, COMPLEMENTATION GROUP C. Identifiers: Orphanet 100, MedGen C0004135, MONDO:0008840, OMIM 208900.

Submission:

Labcorp Genetics (formerly Invitae), Labcorp
Classification: Uncertain significance for Ataxia-telangiectasia syndrome. Last evaluated: 2023-06-28. Review status: criteria provided, single submitter. Criteria: Invitae Variant Classification Sherloc (09022015). Collection method: clinical testing. Allele origin: germline.
Comment: In summary, the available evidence is currently insufficient to determine the role of this variant in disease. Therefore, it has been classified as a Variant of Uncertain Significance. An algorithm developed to predict the effect of missense changes on protein structure and function (PolyPhen-2) suggests that this variant is likely to be tolerated. This variant has not been reported in the literature in individuals affected with ATM-related conditions. This variant is not present in population databases (gnomAD no frequency). This sequence change replaces glutamic acid, which is acidic and polar, with glycine, which is neutral and non-polar, at codon 2744 of the ATM protein (p.Glu2744Gly).